The following is an entry in ClinVar:

NM_182961.4(SYNE1):c.1632+6T>C

Gene: SYNE1 (spectrin repeat containing nuclear envelope protein 1; minus strand). Cytogenetic location: 6q25.2.
Variant type: single nucleotide variant.
Coding change: c.1632+6T>C on transcript NM_182961.4 (MANE Select); 6 bases into the intron after coding-DNA position 1632, T replaced by C.
Molecular consequence: intron variant.
Genome position (GRCh38, 1-based): chr6:152,471,591, A>G on the plus strand (T>C on the coding strand, the complement: SYNE1 is on the minus strand). VCF-style: chr6-152471591-A-G. GRCh37 (hg19) VCF-style: chr6-152792726-A-G.
Other names: c.1653+6T>C (NM_033071.5).
Identifiers: ClinVar variation 386893 (VCV000386893.10), dbSNP rs758756977, ClinGen allele CA4059363.

ClinVar aggregate classification (germline): Likely benign. Review status: criteria provided, multiple submitters, no conflicts (2 of 4 stars). 2 submissions from 2 submitters: Likely benign (2). Last evaluated 2026-01-12.

Conditions:
Emery-Dreifuss muscular dystrophy 4, autosomal dominant (EDMD4). Also called: EMERY-DREIFUSS MUSCULAR DYSTROPHY 4 WITH VARIABLE FEATURES. Identifiers: Orphanet 261, MedGen C2751807, MONDO:0013071, OMIM 612998.
Autosomal recessive ataxia, Beauce type. Also called: ATAXIA, RECESSIVE, OF BEAUCE; SYNE1-Related Autosomal Recessive Cerebellar Ataxia; Spinocerebellar ataxia, autosomal recessive 8; SYNE1 Deficiency. Identifiers: Orphanet 88644, MedGen C1853116, MONDO:0012549, OMIM 610743.

Allele frequency attached by ClinVar (database versions not stated): gnomAD 0.00004; gnomAD exomes 0.00005 and 0.00027; TOPMed 0.00009; ExAC 0.00021.
gnomAD v4.1: 79 of 1,613,378 alleles (0.0049%); highest among the groups gnomAD compares: Admixed American, 0.13%; no homozygotes.

Submissions (2):

Labcorp Genetics (formerly Invitae), Labcorp
Classification: Likely benign for Emery-Dreifuss muscular dystrophy 4, autosomal dominant; Autosomal recessive ataxia, Beauce type. Last evaluated: 2026-01-12. Review status: criteria provided, single submitter. Criteria: Invitae Variant Classification Sherloc (09022015). Collection method: clinical testing. Allele origin: germline.

GeneDx
Classification: Likely benign. Last evaluated: 2016-06-29. Review status: criteria provided, single submitter. Criteria: GeneDx Variant Classification (06012015). Collection method: clinical testing. Allele origin: germline. Affected: yes.
Comment: This variant is considered likely benign or benign based on one or more of the following criteria: it is a conservative change, it occurs at a poorly conserved position in the protein, it is predicted to be benign by multiple in silico algorithms, and/or has population frequency not consistent with disease.